The following is an entry in ClinVar:

ClinVar aggregate classification (germline): Uncertain significance (1 of 4 stars; one submission).

Allele frequency attached by ClinVar (database versions not stated): gnomAD exomes below 0.00001; gnomAD 0.00001; TOPMed 0.00003.
gnomAD v4.1: 3 of 1,613,816 alleles (0.00019%); highest among the groups gnomAD compares: African/African-American, 0.0027%; no homozygotes.

Submission:

Labcorp Genetics (formerly Invitae), Labcorp
Classification: Uncertain significance. Last evaluated: 2022-11-22. Review status: criteria provided, single submitter. Criteria: Invitae Variant Classification Sherloc (09022015). Collection method: clinical testing. Allele origin: germline.
Comment: Algorithms developed to predict the effect of missense changes on protein structure and function are either unavailable or do not agree on the potential impact of this missense change (SIFT: "Deleterious"; PolyPhen-2: "Benign"; Align-GVGD: "Class C65"). ClinVar contains an entry for this variant (Variation ID: 1354703). This variant has not been reported in the literature in individuals affected with MPDZ-related conditions. This variant is not present in population databases (gnomAD no frequency). This sequence change replaces aspartic acid, which is acidic and polar, with glycine, which is neutral and non-polar, at codon 1501 of the MPDZ protein (p.Asp1501Gly). In summary, the available evidence is currently insufficient to determine the role of this variant in disease. Therefore, it has been classified as a Variant of Uncertain Significance.

NM_001378778.1(MPDZ):c.4502A>G (p.Asp1501Gly)

Gene: MPDZ (multiple PDZ domain crumbs cell polarity complex component; minus strand). Cytogenetic location: 9p23.
Variant type: single nucleotide variant.
Coding change: c.4502A>G on transcript NM_001378778.1 (MANE Select); coding-DNA position 4502, A replaced by G.
Protein change: p.Asp1501Gly; replaces aspartic acid 1501 with glycine.
Molecular consequence: missense variant.
Genome position (GRCh38, 1-based): chr9:13,126,735, T>C on the plus strand (A>G on the coding strand, the complement: MPDZ is on the minus strand). VCF-style: chr9-13126735-T-C. GRCh37 (hg19) VCF-style: chr9-13126734-T-C.
Other names: c.4403A>G, p.Asp1468Gly (NM_001261406.2, NM_001261407.2, NM_001375416.1 and 3 more transcripts); c.4502A>G, p.Asp1501Gly (NM_001330637.2, NM_003829.5); c.4601A>G, p.Asp1534Gly (NM_001375413.1); c.4292A>G, p.Asp1431Gly (NM_001375420.1, NM_001375421.1, NM_001375422.1 and 4 more transcripts); c.4094A>G, p.Asp1365Gly (NM_001375427.1); short protein forms D1431G, D1534G, D1365G, D1468G, D1501G.
Identifiers: ClinVar variation 1354703 (VCV001354703.6), dbSNP rs940236688, ClinGen allele CA189284621.